The following is an entry in ClinVar:

NM_005633.4(SOS1):c.668T>C (p.Ile223Thr)

Gene: SOS1 (SOS Ras/Rac guanine nucleotide exchange factor 1; minus strand). Cytogenetic location: 2p22.1.
Variant type: single nucleotide variant.
Coding change: c.668T>C on transcript NM_005633.4 (MANE Select); coding-DNA position 668, T replaced by C.
Protein change: p.Ile223Thr; replaces isoleucine 223 with threonine.
Molecular consequence: missense variant.
Genome position (GRCh38, 1-based): chr2:39,054,666, A>G on the plus strand (T>C on the coding strand, the complement: SOS1 is on the minus strand). VCF-style: chr2-39054666-A-G. GRCh37 (hg19) VCF-style: chr2-39281807-A-G.
Other names: c.647T>C, p.Ile216Thr (NM_001382394.1); c.668T>C, p.Ile223Thr (NM_001382395.1); short protein forms I223T, I216T.
Identifiers: ClinVar variation 45376 (VCV000045376.42), dbSNP rs397517176, ClinGen allele CA136177.

ClinVar aggregate classification (germline): Uncertain significance. Review status: criteria provided, multiple submitters, no conflicts (2 of 4 stars). 8 submissions from 7 submitters: Uncertain significance (8). Last evaluated 2025-07-11.

Conditions:
Cardiovascular phenotype. Identifiers: MedGen CN230736.
RASopathy. Also called: rasopathies; Noonan spectrum disorder. Identifiers: Orphanet 536391, MedGen C5555857, MONDO:0021060.
Noonan syndrome 4 (NS4). Also called: NOONAN SYNDROME WITH PIGMENTED VILLONODULAR SYNOVITIS; SOS1-Related Noonan Syndrome. Identifiers: Orphanet 648, MedGen C1853120, MONDO:0012547, OMIM 610733.
Fibromatosis, gingival, 1 (GINGF1). Identifiers: Orphanet 2024, MedGen C4551558, MONDO:0007609, OMIM 135300.

Allele frequency attached by ClinVar (database versions not stated): gnomAD exomes below 0.00001.
gnomAD v4.1: 3 of 1,598,278 alleles (0.00019%); highest among the groups gnomAD compares: Middle Eastern, 0.017%; no homozygotes.

Submissions (8):

Revvity Omics, Revvity
Classification: Uncertain significance. Last evaluated: 2025-07-11. Review status: criteria provided, single submitter. Criteria: ACMG Guidelines, 2015. Collection method: clinical testing. Allele origin: germline.

CeGaT Center for Human Genetics Tuebingen
Classification: Uncertain significance. Last evaluated: 2023-11-01. Review status: criteria provided, single submitter. Criteria: CeGaT Center For Human Genetics Tuebingen Variant Classification Criteria Version 2. Collection method: clinical testing. Allele origin: germline. Affected: yes. Observed: 1 variant allele.
Comment: SOS1: PM2

Labcorp Genetics (formerly Invitae), Labcorp
Classification: Uncertain significance for RASopathy. Last evaluated: 2022-07-05. Review status: criteria provided, single submitter. Criteria: Invitae Variant Classification Sherloc (09022015). Collection method: clinical testing. Allele origin: germline.
Comment: In summary, the available evidence is currently insufficient to determine the role of this variant in disease. Therefore, it has been classified as a Variant of Uncertain Significance. Advanced modeling of protein sequence and biophysical properties (such as structural, functional, and spatial information, amino acid conservation, physicochemical variation, residue mobility, and thermodynamic stability) performed at Invitae indicates that this missense variant is expected to disrupt SOS1 protein function. ClinVar contains an entry for this variant (Variation ID: 45376). This variant has not been reported in the literature in individuals affected with SOS1-related conditions. This variant is not present in population databases (gnomAD no frequency). This sequence change replaces isoleucine, which is neutral and non-polar, with threonine, which is neutral and polar, at codon 223 of the SOS1 protein (p.Ile223Thr).

Blueprint Genetics
Classification: Uncertain significance. Last evaluated: 2020-09-02. Review status: criteria provided, single submitter. Criteria: ACMG Guidelines, 2015. Collection method: clinical testing. Allele origin: germline.

Ambry Genetics
Classification: Uncertain significance for Cardiovascular phenotype. Last evaluated: 2019-12-09. Review status: criteria provided, single submitter. Criteria: Ambry Variant Classification Scheme 2023. Collection method: clinical testing. Allele origin: germline.
Comment: The p.I223T variant (also known as c.668T>C), located in coding exon 5 of the SOS1 gene, results from a T to C substitution at nucleotide position 668. The isoleucine at codon 223 is replaced by threonine, an amino acid with similar properties. This amino acid position is well conserved in available vertebrate species. In addition, this alteration is predicted to be deleterious by in silico analysis. Since supporting evidence is limited at this time, the clinical significance of this alteration remains unclear.

Laboratory for Molecular Medicine, Mass General Brigham Personalized Medicine
Classification: Uncertain significance. Last evaluated: 2011-07-28. Review status: criteria provided, single submitter. Criteria: LMM Criteria. Collection method: clinical testing. Allele origin: germline. Observed: 2 variant alleles.
Comment: Variant classified as Uncertain Significance - Favor Benign. The Ile223Thr varia nt has not been previously reported in the literature nor been identified in our laboratory. However, individuals with pat hogenic variants in Noonan spectrum-associated genes may have variable clinical features due to variable expressivity. Despite the suspected benign nature of this variant, the re sidue is conserved across evolutionarily distinct species and computational anal yses (PolyPhen2, SIFT) predict that this variant will impact the normal function of the protein. It should be noted that the sensitivity and specificity of thes e computational programs has not been determined by our laboratory.

Genome-Nilou Lab
Classification: Uncertain significance for Noonan syndrome 4. Review status: criteria provided, single submitter. Criteria: ACMG Guidelines, 2015. Collection method: clinical testing. Allele origin: germline.

Genome-Nilou Lab
Classification: Uncertain significance for Fibromatosis, gingival, 1. Review status: criteria provided, single submitter. Criteria: ACMG Guidelines, 2015. Collection method: clinical testing. Allele origin: germline.